The following is an entry in ClinVar:

NM_002945.5(RPA1):c.273-44A>G

Gene: RPA1 (replication protein A1; plus strand). Cytogenetic location: 17p13.3.
Variant type: single nucleotide variant.
Coding change: c.273-44A>G on transcript NM_002945.5 (MANE Select); 44 bases into the intron before coding-DNA position 273, A replaced by G.
Molecular consequence: intron variant.
Genome position (GRCh38, 1-based): chr17:1,853,057, A>G. VCF-style: chr17-1853057-A-G. GRCh37 (hg19) VCF-style: chr17-1756351-A-G.
Other names: c.234-44A>G (NM_001355120.2); c.273-44A>G (NM_001355121.2).
Identifiers: ClinVar variation 2687984 (VCV002687984.2), dbSNP rs2287321, ClinGen allele CA8275874.

ClinVar aggregate classification (germline): Benign (1 of 4 stars; one submission).

Allele frequency attached by ClinVar (database versions not stated): ESP Exome Variant Server 0.38928; gnomAD exomes 0.39967; gnomAD 0.41223; TOPMed 0.41398; ExAC 0.43670; 1000 Genomes Project 0.45028; 1000 Genomes Project 30x 0.45362.
gnomAD v4.1: 591,550 of 1,474,262 alleles (40%); highest among the groups gnomAD compares: Admixed American, 54%; 121,451 homozygotes.

Submission:

Unidad de Genómica Garrahan, Hospital de Pediatría Garrahan
Classification: Benign. Last evaluated: 2024-01-24. Review status: criteria provided, single submitter. Criteria: ACMG Guidelines, 2015. Collection method: clinical testing. Allele origin: germline. Affected: no. Observed: 74 variant alleles.
Comment: This variant is classified as Benign based on local population frequency. This variant was detected in 78% of patients studied by a panel of primary immunodeficiencies. Number of patients: 74. Only high quality variants are reported.